The following is an entry in ClinVar:

ClinVar aggregate classification (germline): Benign/Likely benign. Review status: criteria provided, multiple submitters, no conflicts (2 of 4 stars). 3 submissions from 3 submitters: Benign (2); Likely benign (1). Last evaluated 2026-06-01.

Allele frequency attached by ClinVar (database versions not stated): gnomAD 0.00081 and 0.00086; TOPMed 0.00105; gnomAD exomes 0.00114 and 0.00135; 1000 Genomes Project 0.00120; 1000 Genomes Project 30x 0.00125; ESP Exome Variant Server 0.00131; ExAC 0.00137.
gnomAD v4.1: 1,818 of 1,611,240 alleles (0.11%); highest among the groups gnomAD compares: Middle Eastern, 0.59%; 4 homozygotes.

Submissions (3):

CeGaT Center for Human Genetics Tuebingen
Classification: Likely benign. Last evaluated: 2026-06-01. Review status: criteria provided, single submitter. Criteria: CeGaT Center For Human Genetics Tuebingen Variant Classification Criteria Version 2. Collection method: clinical testing. Allele origin: germline. Affected: yes. Observed: 2 variant alleles.
Comment: EP400: BS2

Labcorp Genetics (formerly Invitae), Labcorp
Classification: Benign. Last evaluated: 2018-12-04. Review status: criteria provided, single submitter. Criteria: Invitae Variant Classification Sherloc (09022015). Collection method: clinical testing. Allele origin: germline.

Breakthrough Genomics
Classification: Benign. Review status: criteria provided, single submitter. Criteria: ACMG Guidelines, 2015. Collection method: not provided. Allele origin: germline. Inheritance: Unknown mechanism. Affected: yes.

NM_015409.5(EP400):c.4976C>T (p.Pro1659Leu)

Gene: EP400 (E1A binding protein p400; plus strand). Cytogenetic location: 12q24.33.
Variant type: single nucleotide variant.
Coding change: c.4976C>T on transcript NM_015409.5 (MANE Select); coding-DNA position 4976, C replaced by T.
Protein change: p.Pro1659Leu; replaces proline 1659 with leucine.
Molecular consequence: missense variant.
Genome position (GRCh38, 1-based): chr12:132,025,766, C>T. VCF-style: chr12-132025766-C-T. GRCh37 (hg19) VCF-style: chr12-132510311-C-T.
Other names: short protein forms P1659L.
Identifiers: ClinVar variation 720357 (VCV000720357.28), dbSNP rs142300205, ClinGen allele CA6885866.
Genomic context (GRCh38, chr12:132,025,766, plus strand): 5'-TGGTGATGCAGACCGTGTCTCAGGCGGGCGCTGTGCACGGCGCCCTGGGAAGCAAGCCCC[C>T]GGCCGGCGGTCCCAGCCCTGCACCCTTGACCCCACAAGGTAGGGTGCTCTGAGCAGGAGG-3'
Protein context (NP_056224.3, residues 1649-1669): AVHGALGSKP[Pro1659Leu]AGGPSPAPLT